The following is an entry in ClinVar:

ClinVar aggregate classification (germline): Benign/Likely benign. Review status: criteria provided, multiple submitters, no conflicts (2 of 4 stars). 3 submissions from 3 submitters: Benign (1); Likely benign (2). Last evaluated 2025-02-28.

Conditions:
Mitochondrial complex II deficiency, nuclear type 1. Also called: SUCCINATE CoQ REDUCTASE DEFICIENCY. Identifiers: Orphanet 3208, MedGen C5700310, MONDO:0100294, OMIM 252011.
Pheochromocytoma/paraganglioma syndrome 5. Also called: Paragangliomas 5; SDHA-Related Hereditary Paraganglioma-Pheochromocytoma Syndrome. Identifiers: Orphanet 29072, MedGen C3279992, MONDO:0013602, OMIM 614165.
Hereditary cancer-predisposing syndrome. Also called: Hereditary Cancer Syndrome; Hereditary neoplastic syndrome; Neoplastic Syndromes, Hereditary; Tumor predisposition. Identifiers: Orphanet 140162, MedGen C0027672, MeSH D009386, MONDO:0015356.

Submissions (3):

Myriad Genetics, Inc.
Classification: Benign for Pheochromocytoma/paraganglioma syndrome 5. Last evaluated: 2025-02-28. Review status: criteria provided, single submitter. Criteria: Myriad Autosomal Dominant, Autosomal Recessive and X-Linked Classification Criteria (2023). Collection method: clinical testing. Allele origin: unknown.
Comment: This variant is considered benign. This variant is a silent/synonymous amino acid change and it is not expected to impact splicing.

Labcorp Genetics (formerly Invitae), Labcorp
Classification: Likely benign for Pheochromocytoma/paraganglioma syndrome 5; Mitochondrial complex II deficiency, nuclear type 1. Last evaluated: 2023-10-13. Review status: criteria provided, single submitter. Criteria: Invitae Variant Classification Sherloc (09022015). Collection method: clinical testing. Allele origin: germline.

Ambry Genetics
Classification: Likely benign for Hereditary cancer-predisposing syndrome. Last evaluated: 2020-02-14. Review status: criteria provided, single submitter. Criteria: Ambry Variant Classification Scheme 2023. Collection method: clinical testing. Allele origin: germline.

NM_004168.4(SDHA):c.387C>T (p.Gly129=)

Gene: SDHA (succinate dehydrogenase complex flavoprotein subunit A; plus strand). Cytogenetic location: 5p15.33.
Variant type: single nucleotide variant.
Coding change: c.387C>T on transcript NM_004168.4 (MANE Select); coding-DNA position 387, C replaced by T.
Protein change: p.Gly129=; no amino-acid change (glycine 129 retained).
Molecular consequence: synonymous variant. On other transcripts: intron variant (1).
Genome position (GRCh38, 1-based): chr5:225,493, C>T. VCF-style: chr5-225493-C-T. GRCh37 (hg19) VCF-style: chr5-225608-C-T.
Other names: c.387C>T, p.Gly129= (NM_001330758.2); c.313-390C>T (NM_001294332.2).
Identifiers: ClinVar variation 1735783 (VCV001735783.6), dbSNP rs2126547176, ClinGen allele CA442690981.